The following is an entry in ClinVar:

ClinVar aggregate classification (germline): Uncertain significance (1 of 4 stars; one submission).

Conditions:
Hereditary cancer-predisposing syndrome. Also called: Neoplastic Syndromes, Hereditary; Tumor predisposition; Hereditary Cancer Syndrome; Hereditary neoplastic syndrome. Identifiers: Orphanet 140162, MedGen C0027672, MeSH D009386, MONDO:0015356.

Submission:

Labcorp Genetics (formerly Invitae), Labcorp
Classification: Uncertain significance for Hereditary cancer-predisposing syndrome. Last evaluated: 2023-06-11. Review status: criteria provided, single submitter. Criteria: Invitae Variant Classification Sherloc (09022015). Collection method: clinical testing. Allele origin: germline.
Comment: Advanced modeling of protein sequence and biophysical properties (such as structural, functional, and spatial information, amino acid conservation, physicochemical variation, residue mobility, and thermodynamic stability) performed at Invitae indicates that this missense variant is not expected to disrupt RAD50 protein function. In summary, the available evidence is currently insufficient to determine the role of this variant in disease. Therefore, it has been classified as a Variant of Uncertain Significance. Algorithms developed to predict the effect of sequence changes on RNA splicing suggest that this variant may create or strengthen a splice site. This variant has not been reported in the literature in individuals affected with RAD50-related conditions. This variant is not present in population databases (gnomAD no frequency). This sequence change replaces threonine, which is neutral and polar, with serine, which is neutral and polar, at codon 119 of the RAD50 protein (p.Thr119Ser).

NM_005732.4(RAD50):c.356C>G (p.Thr119Ser)

Gene: RAD50 (RAD50 double strand break repair protein; plus strand). Cytogenetic location: 5q31.1.
Variant type: single nucleotide variant.
Coding change: c.356C>G on transcript NM_005732.4 (MANE Select); coding-DNA position 356, C replaced by G.
Protein change: p.Thr119Ser; replaces threonine 119 with serine.
Molecular consequence: missense variant.
Genome position (GRCh38, 1-based): chr5:132,575,919, C>G. VCF-style: chr5-132575919-C-G. GRCh37 (hg19) VCF-style: chr5-131911611-C-G.
Other names: short protein forms T119S.
Identifiers: ClinVar variation 2711253 (VCV002711253.3), dbSNP rs1750390118, ClinGen allele CA360931469.